The following is an entry in ClinVar:

ClinVar aggregate classification (germline): Uncertain significance (1 of 4 stars; one submission).

gnomAD v4.1: 7 of 1,614,190 alleles (0.00043%); highest among the groups gnomAD compares: South Asian, 0.0011%; no homozygotes.

Submission:

GeneDx
Classification: Uncertain significance. Last evaluated: 2025-06-12. Review status: criteria provided, single submitter. Criteria: GeneDx Variant Classification Process June 2021. Collection method: clinical testing. Allele origin: germline. Affected: yes.
Comment: Not observed at significant frequency in large population cohorts (gnomAD); In silico analysis supports that this missense variant has a deleterious effect on protein structure/function; Has not been previously published as pathogenic or benign to our knowledge

NM_000254.3(MTR):c.3251A>G (p.Asp1084Gly)

Gene: MTR (5-methyltetrahydrofolate-homocysteine methyltransferase; plus strand). Cytogenetic location: 1q43.
Variant type: single nucleotide variant.
Coding change: c.3251A>G on transcript NM_000254.3 (MANE Select); coding-DNA position 3251, A replaced by G.
Protein change: p.Asp1084Gly; replaces aspartic acid 1084 with glycine.
Molecular consequence: missense variant.
Genome position (GRCh38, 1-based): chr1:236,894,403, A>G. VCF-style: chr1-236894403-A-G. GRCh37 (hg19) VCF-style: chr1-237057703-A-G.
Other names: c.3098A>G, p.Asp1033Gly (NM_001291939.1); c.2030A>G, p.Asp677Gly (NM_001291940.2); c.3062A>G, p.Asp1021Gly (NM_001410942.1); short protein forms D1021G, D1033G, D1084G, D677G.
Identifiers: ClinVar variation 4538176 (VCV004538176.1).